The following is an entry in ClinVar:

NM_000448.3(RAG1):c.1723G>T (p.Glu575Ter)

Gene: RAG1 (recombination activating 1; plus strand). Cytogenetic location: 11p12.
Variant type: single nucleotide variant.
Coding change: c.1723G>T on transcript NM_000448.3 (MANE Select); coding-DNA position 1723, G replaced by T.
Protein change: p.Glu575Ter; replaces glutamic acid 575 with a stop codon.
Molecular consequence: nonsense.
Genome position (GRCh38, 1-based): chr11:36,575,027, G>T. VCF-style: chr11-36575027-G-T. GRCh37 (hg19) VCF-style: chr11-36596577-G-T.
Other names: c.1723G>T, p.Glu575Ter (NM_001377277.1, NM_001377278.1, NM_001377279.1 and 1 more transcripts); short protein forms E575*.
Identifiers: ClinVar variation 2945139 (VCV002945139.3), dbSNP rs2494757326, ClinGen allele CA380153149.

ClinVar aggregate classification (germline): Pathogenic (1 of 4 stars; one submission).

Conditions:
Severe combined immunodeficiency, autosomal recessive, T cell-negative, B cell-negative, NK cell-positive. Also called: SCID, AR, T-cell negative, B-cell negative, NK cell-positive; SCID, T CELL-NEGATIVE, B CELL-NEGATIVE, NK CELL-POSITIVE; Severe combined immunodeficiency due to complete RAG1/2 deficiency. Identifiers: Orphanet 331206, MedGen C1832322, MONDO:0011086, OMIM 601457.
Combined immunodeficiency with skin granulomas. Identifiers: Orphanet 157949, MedGen C2673536, MONDO:0009306, OMIM 233650.

gnomAD v4.1: 5 of 1,614,154 alleles (0.00031%); highest among the groups gnomAD compares: Non-Finnish European, 0.00042%; no homozygotes.

Submission:

Labcorp Genetics (formerly Invitae), Labcorp
Classification: Pathogenic for Combined immunodeficiency with skin granulomas; Severe combined immunodeficiency, autosomal recessive, T cell-negative, B cell-negative, NK cell-positive. Last evaluated: 2024-01-06. Review status: criteria provided, single submitter. Criteria: Invitae Variant Classification Sherloc (09022015). Collection method: clinical testing. Allele origin: germline.
Comment: This sequence change creates a premature translational stop signal (p.Glu575*) in the RAG1 gene. While this is not anticipated to result in nonsense mediated decay, it is expected to disrupt the last 469 amino acid(s) of the RAG1 protein. This variant is not present in population databases (gnomAD no frequency). This variant has not been reported in the literature in individuals affected with RAG1-related conditions. This variant disrupts a region of the RAG1 protein in which other variant(s) (p.His994Arg) have been determined to be pathogenic (PMID: 33193364; Invitae). This suggests that this is a clinically significant region of the protein, and that variants that disrupt it are likely to be disease-causing. For these reasons, this variant has been classified as Pathogenic.

Literature cited by the submitters: PubMed 33193364.